The following is an entry in ClinVar:

ClinVar aggregate classification (germline): Uncertain significance (1 of 4 stars; one submission).

Submission:

Ambry Genetics
Classification: Uncertain significance. Last evaluated: 2024-03-14. Review status: criteria provided, single submitter. Criteria: Ambry Variant Classification Scheme 2023. Collection method: clinical testing. Allele origin: germline.
Comment: The p.R1614K variant (also known as c.4841G>A), located in coding exon 16 of the POLQ gene, results from a G to A substitution at nucleotide position 4841. The arginine at codon 1614 is replaced by lysine, an amino acid with highly similar properties. This amino acid position is conserved. In addition, this alteration is predicted to be tolerated by in silico analysis. Since supporting evidence is limited at this time, the clinical significance of this alteration remains unclear.

NM_199420.4(POLQ):c.4841G>A (p.Arg1614Lys)

Gene: POLQ (DNA polymerase theta; minus strand). Cytogenetic location: 3q13.33.
Variant type: single nucleotide variant.
Coding change: c.4841G>A on transcript NM_199420.4 (MANE Select); coding-DNA position 4841, G replaced by A.
Protein change: p.Arg1614Lys; replaces arginine 1614 with lysine.
Molecular consequence: missense variant.
Genome position (GRCh38, 1-based): chr3:121,488,090, C>T on the plus strand (G>A on the coding strand, the complement: POLQ is on the minus strand). VCF-style: chr3-121488090-C-T. GRCh37 (hg19) VCF-style: chr3-121206937-C-T.
Other names: short protein forms R1614K.
Identifiers: ClinVar variation 1743513 (VCV001743513.2), dbSNP rs2048029398, ClinGen allele CA354093632.